The following is an entry in ClinVar:

NM_080911.3(UNG):c.569_570del (p.Ile190fs)

Gene: UNG (uracil DNA glycosylase; plus strand). Cytogenetic location: 12q24.11.
Variant type: Deletion.
Coding change: c.569_570del on transcript NM_080911.3 (MANE Select); coding-DNA positions 569 to 570, 2 bases deleted (TA; older notation c.569_570delTA).
Protein change: p.Ile190fs; shifts the reading frame from isoleucine 190.
Molecular consequence: frameshift variant.
Genome position (GRCh38, 1-based): chr12:109,102,874-109,102,875, TA deleted; deleting any 2 consecutive bases within chr12:109,102,873-109,102,875 gives the same sequence; the c. name uses the placement nearest the transcript's 3' end. VCF-style (leftmost placement, unchanged base first): chr12-109102872-CAT-C. GRCh37 (hg19) VCF-style: chr12-109540677-CAT-C.
Other names: c.542_543del, p.Ile181fs (NM_003362.4); short protein forms I181fs, I190fs.
Identifiers: ClinVar variation 2735958 (VCV002735958.3), dbSNP rs772764942, ClinGen allele CA6772685.

ClinVar aggregate classification (germline): Pathogenic (1 of 4 stars; one submission).

Conditions:
Hyper-IgM syndrome type 5 (HIGM5). Also called: Hyper-IgM Immunodeficiency Syndrome, Type 5. Identifiers: Orphanet 101092, MedGen C1720958, MONDO:0011971, OMIM 608106.

Submission:

Labcorp Genetics (formerly Invitae), Labcorp
Classification: Pathogenic for Hyper-IgM syndrome type 5. Last evaluated: 2026-01-17. Review status: criteria provided, single submitter. Criteria: Invitae Variant Classification Sherloc (09022015). Collection method: clinical testing. Allele origin: germline.
Comment: This sequence change creates a premature translational stop signal (p.Ile190Argfs*37) in the UNG gene. It is expected to result in an absent or disrupted protein product. Loss-of-function variants in UNG are known to be pathogenic (PMID: 12958596). This variant is present in population databases (rs772764942, gnomAD 0.01%). This premature translational stop signal has been observed in individual(s) with hyper-IgM syndrome (PMID: 12958596). This variant is also known as 639,640 TA del. ClinVar contains an entry for this variant (Variation ID: 2735958). For these reasons, this variant has been classified as Pathogenic.

Literature cited by the submitters: PubMed 12958596.